The following is an entry in ClinVar:

NM_199355.4(ADAMTS18):c.2348A>G (p.Gln783Arg)

Gene: ADAMTS18 (ADAM metallopeptidase with thrombospondin type 1 motif 18; minus strand). Cytogenetic location: 16q23.1.
Variant type: single nucleotide variant.
Coding change: c.2348A>G on transcript NM_199355.4 (MANE Select); coding-DNA position 2348, A replaced by G.
Protein change: p.Gln783Arg; replaces glutamine 783 with arginine.
Molecular consequence: missense variant.
Genome position (GRCh38, 1-based): chr16:77,320,033, T>C on the plus strand (A>G on the coding strand, the complement: ADAMTS18 is on the minus strand). VCF-style: chr16-77320033-T-C. GRCh37 (hg19) VCF-style: chr16-77353930-T-C.
Other names: c.1832A>G, p.Gln611Arg (NM_001326358.2); c.2348A>G (NM_199355.2); short protein forms Q611R, Q783R.
Identifiers: ClinVar variation 2093047 (VCV002093047.5), dbSNP rs201514069, ClinGen allele CA284390372.

ClinVar aggregate classification (germline): Uncertain significance. Review status: criteria provided, multiple submitters, no conflicts (2 of 4 stars). 2 submissions from 2 submitters: Uncertain significance (2). Last evaluated 2025-04-09.

Conditions:
Inborn genetic diseases. Identifiers: MedGen C0950123, MeSH D030342.

Allele frequency attached by ClinVar (database versions not stated): gnomAD 0.00001; 1000 Genomes Project 30x 0.00016; 1000 Genomes Project 0.00020.
gnomAD v4.1: 6 of 1,614,128 alleles (0.00037%); highest among the groups gnomAD compares: Middle Eastern, 0.033%; no homozygotes.

Submissions (2):

Ambry Genetics
Classification: Uncertain significance for Inborn genetic diseases. Last evaluated: 2025-04-09. Review status: criteria provided, single submitter. Criteria: Ambry Variant Classification Scheme 2023. Collection method: clinical testing. Allele origin: germline.

Labcorp Genetics (formerly Invitae), Labcorp
Classification: Uncertain significance. Last evaluated: 2022-08-09. Review status: criteria provided, single submitter. Criteria: Invitae Variant Classification Sherloc (09022015). Collection method: clinical testing. Allele origin: germline.
Comment: Algorithms developed to predict the effect of missense changes on protein structure and function are either unavailable or do not agree on the potential impact of this missense change (SIFT: "Not Available"; PolyPhen-2: "Benign"; Align-GVGD: "Not Available"). This sequence change replaces glutamine, which is neutral and polar, with arginine, which is basic and polar, at codon 783 of the ADAMTS18 protein (p.Gln783Arg). This variant is not present in population databases (gnomAD no frequency). This variant has not been reported in the literature in individuals affected with ADAMTS18-related conditions. In summary, the available evidence is currently insufficient to determine the role of this variant in disease. Therefore, it has been classified as a Variant of Uncertain Significance.